The following is an entry in ClinVar:

NM_006258.4(PRKG1):c.292T>G (p.Phe98Val)

Gene: PRKG1 (protein kinase cGMP-dependent 1; plus strand). Cytogenetic location: 10q11.23.
Variant type: single nucleotide variant.
Coding change: c.292T>G on transcript NM_006258.4 (MANE Select); coding-DNA position 292, T replaced by G.
Protein change: p.Phe98Val; replaces phenylalanine 98 with valine.
Molecular consequence: missense variant. On other transcripts: intron variant (1).
Genome position (GRCh38, 1-based): chr10:51,074,882, T>G. VCF-style: chr10-51074882-T-G. GRCh37 (hg19) VCF-style: chr10-52834642-T-G.
Other names: c.292T>G, p.Phe98Val (NM_001374782.1); c.267-78282T>G (NM_001098512.3); short protein forms F98V.
Identifiers: ClinVar variation 4862529 (VCV004862529.1).

ClinVar aggregate classification (germline): Uncertain significance (1 of 4 stars; one submission).

Conditions:
Familial thoracic aortic aneurysm and aortic dissection (TAAD). Also called: Thoracic aortic aneurysms and dissections. Identifiers: Orphanet 91387, MedGen C4707243, MONDO:0019625.

Submission:

Ambry Genetics
Classification: Uncertain significance for Familial thoracic aortic aneurysm and aortic dissection. Last evaluated: 2026-05-12. Review status: criteria provided, single submitter. Criteria: Ambry Variant Classification Scheme 2023. Collection method: clinical testing. Allele origin: germline.
Comment: The p.F98V variant (also known as c.292T>G), located in coding exon 1 of the PRKG1 gene, results from a T to G substitution at nucleotide position 292. The phenylalanine at codon 98 is replaced by valine, an amino acid with highly similar properties. This amino acid position is highly conserved in available vertebrate species. In addition, the in silico prediction for this alteration is inconclusive. Based on the available evidence, the clinical significance of this variant remains unclear.